The following is an entry in ClinVar:

NM_020822.3(KCNT1):c.1337+17G>A

Gene: KCNT1 (potassium sodium-activated channel subfamily T member 1; plus strand). Cytogenetic location: 9q34.3.
Variant type: single nucleotide variant.
Coding change: c.1337+17G>A on transcript NM_020822.3 (MANE Select); 17 bases into the intron after coding-DNA position 1337, G replaced by A.
Molecular consequence: intron variant.
Genome position (GRCh38, 1-based): chr9:135,765,777, G>A. VCF-style: chr9-135765777-G-A. GRCh37 (hg19) VCF-style: chr9-138657623-G-A.
Other names: c.1202+17G>A (NM_001272003.2).
Identifiers: ClinVar variation 383601 (VCV000383601.10), dbSNP rs780243563, ClinGen allele CA5326855.

ClinVar aggregate classification (germline): Likely benign. Review status: criteria provided, multiple submitters, no conflicts (2 of 4 stars). 4 submissions from 3 submitters: Likely benign (4). Last evaluated 2025-06-02.

Conditions:
Developmental and epileptic encephalopathy, 14 (DEE14). Also called: Early infantile epileptic encephalopathy 14. Identifiers: Orphanet 293181, MedGen C3554195, MONDO:0013989, OMIM 614959.
Autosomal dominant nocturnal frontal lobe epilepsy 5. Also called: KCNT1-Related Epilepsy; CILIARY DYSKINESIA, PRIMARY, 28, WITHOUT SITUS INVERSUS; CILIARY DYSKINESIA, PRIMARY, 28, WITH SITUS INVERSUS; Epilepsy, nocturnal frontal lobe, 5. Identifiers: Orphanet 98784, MedGen C3554306, MONDO:0014002, OMIM 615005.

Allele frequency attached by ClinVar (database versions not stated): gnomAD 0.00001; TOPMed 0.00002; gnomAD exomes 0.00003 and 0.00005.
gnomAD v4.1: 41 of 1,581,384 alleles (0.0026%); highest among the groups gnomAD compares: Admixed American, 0.0068%; no homozygotes.

Submissions (4):

Labcorp Genetics (formerly Invitae), Labcorp
Classification: Likely benign for Autosomal dominant nocturnal frontal lobe epilepsy 5; Developmental and epileptic encephalopathy, 14. Last evaluated: 2025-06-02. Review status: criteria provided, single submitter. Criteria: Invitae Variant Classification Sherloc (09022015). Collection method: clinical testing. Allele origin: germline.

Genome-Nilou Lab
Classification: Likely benign for Developmental and epileptic encephalopathy, 14. Last evaluated: 2022-03-15. Review status: criteria provided, single submitter. Criteria: ACMG Guidelines, 2015. Collection method: clinical testing. Allele origin: germline. Affected: no.

Genome-Nilou Lab
Classification: Likely benign for Autosomal dominant nocturnal frontal lobe epilepsy 5. Last evaluated: 2022-03-15. Review status: criteria provided, single submitter. Criteria: ACMG Guidelines, 2015. Collection method: clinical testing. Allele origin: germline. Affected: no.

GeneDx
Classification: Likely benign. Last evaluated: 2016-02-03. Review status: criteria provided, single submitter. Criteria: GeneDx Variant Classification (06012015). Collection method: clinical testing. Allele origin: germline. Affected: yes.
Comment: This variant is considered likely benign or benign based on one or more of the following criteria: it is a conservative change, it occurs at a poorly conserved position in the protein, it is predicted to be benign by multiple in silico algorithms, and/or has population frequency not consistent with disease.